The following is an entry in ClinVar:

ClinVar aggregate classification (germline): Uncertain significance (1 of 4 stars; one submission).

Conditions:
Dilated cardiomyopathy 1O (CMD1O). Also called: CARDIOMYOPATHY, DILATED, WITH VENTRICULAR TACHYCARDIA. Identifiers: Orphanet 154, MedGen C1837839, MONDO:0012062, OMIM 608569.

Allele frequency attached by ClinVar (database versions not stated): TOPMed 0.00001; gnomAD 0.00001.
gnomAD v4.1: 1 of 1,613,824 alleles (0.000062%); highest among the groups gnomAD compares: Non-Finnish European, 0.000085%; no homozygotes.

Submission:

Labcorp Genetics (formerly Invitae), Labcorp
Classification: Uncertain significance for Dilated cardiomyopathy 1O. Last evaluated: 2018-09-13. Review status: criteria provided, single submitter. Criteria: Invitae Variant Classification Sherloc (09022015). Collection method: clinical testing. Allele origin: germline.
Comment: This sequence change falls in intron 25 of the ABCC9 gene. It does not directly change the encoded amino acid sequence of the ABCC9 protein, but it affects a nucleotide within the consensus splice site of the intron. In summary, the available evidence is currently insufficient to determine the role of this variant in disease. Therefore, it has been classified as a Variant of Uncertain Significance. Nucleotide substitutions within the consensus splice site are a relatively common cause of aberrant splicing (PMID: 17576681, 9536098). Algorithms developed to predict the effect of sequence changes on RNA splicing suggest that this variant may disrupt the consensus splice site, but this prediction has not been confirmed by published transcriptional studies. This variant has not been reported in the literature in individuals with ABCC9-related disease. This variant is not present in population databases (ExAC no frequency).

Literature cited by the submitters: PubMed 17576681; PubMed 9536098.

NM_020297.4(ABCC9):c.3245+3A>C

Gene: ABCC9 (ATP binding cassette subfamily C member 9; minus strand). Cytogenetic location: 12p12.1.
Variant type: single nucleotide variant.
Coding change: c.3245+3A>C on transcript NM_020297.4 (MANE Select); 3 bases into the intron after coding-DNA position 3245, A replaced by C.
Molecular consequence: intron variant.
Genome position (GRCh38, 1-based): chr12:21,844,764, T>G on the plus strand (A>C on the coding strand, the complement: ABCC9 is on the minus strand). VCF-style: chr12-21844764-T-G. GRCh37 (hg19) VCF-style: chr12-21997698-T-G.
Other names: c.2378+3A>C (NM_001377274.1); c.3245+3A>C (NM_005691.4, NM_001377273.1).
Identifiers: ClinVar variation 640130 (VCV000640130.8), dbSNP rs1345977942, ClinGen allele CA603664281.
Genomic context (GRCh38, chr12:21,844,764, plus strand): 5'-AAATTGAAAAATGCATATTTTTATTATTTTATGTGTGGGAGTGAGAAATAACCACTGTTT[T>G]ACCTTATTGGTCCAAGGATTATCTTATTGAGAAGGTTGTGGTGAAGATTTTTGGCAGCTG-3'